The following is an entry in ClinVar:

ClinVar aggregate classification (germline): Uncertain significance. Review status: criteria provided, multiple submitters, no conflicts (2 of 4 stars). 2 submissions from 2 submitters: Uncertain significance (2). Last evaluated 2025-08-13.

gnomAD v4.1: 61 of 1,611,342 alleles (0.0038%); highest among the groups gnomAD compares: Non-Finnish European, 0.0045%; no homozygotes.

Submissions (2):

Labcorp Genetics (formerly Invitae), Labcorp
Classification: Uncertain significance. Last evaluated: 2025-08-13. Review status: criteria provided, single submitter. Criteria: Invitae Variant Classification Sherloc (09022015). Collection method: clinical testing. Allele origin: germline.
Comment: This sequence change replaces arginine, which is basic and polar, with cysteine, which is neutral and slightly polar, at codon 455 of the RECQL protein (p.Arg455Cys). This variant is present in population databases (rs199740132, gnomAD 0.005%). This missense change has been observed in individual(s) with breast cancer, as well as in one healthy individual (PMID: 25945795, 28724667). ClinVar contains an entry for this variant (Variation ID: 1439828). Invitae Evidence Modeling of protein sequence and biophysical properties (such as structural, functional, and spatial information, amino acid conservation, physicochemical variation, residue mobility, and thermodynamic stability) indicates that this missense variant is expected to disrupt RECQL protein function with a positive predictive value of 80%. Experimental studies have shown that this missense change affects RECQL function (PMID: 25945795). In summary, the available evidence is currently insufficient to determine the role of this variant in disease. Therefore, it has been classified as a Variant of Uncertain Significance.

Ambry Genetics
Classification: Uncertain significance. Last evaluated: 2024-04-01. Review status: criteria provided, single submitter. Criteria: Ambry Variant Classification Scheme 2023. Collection method: clinical testing. Allele origin: germline.
Comment: The p.R455C variant (also known as c.1363C>T), located in coding exon 11 of the RECQL gene, results from a C to T substitution at nucleotide position 1363. The arginine at codon 455 is replaced by cysteine, an amino acid with highly dissimilar properties. This alteration was identified in 1/448 BRCA1/2-negative familial breast cancer cases and 1/1588 controls, and was shown to impair helicase activity as well as increase sensitivity to DNA damaging agents (Sun J et al. PLoS Genet. 2015 May;11(5):e1005228; Parvathaneni S et al. J. Biol. Chem., 2019 10;294:15330-15345). It has also been identified in 1/8083 unselected breast cancer cases undergoing multigene panel testing (Sun J et al. Clin. Cancer Res. 2017 Oct;23(20):6113-6119). This amino acid position is highly conserved in available vertebrate species. In addition, this alteration is predicted to be deleterious by in silico analysis. Since supporting evidence is limited at this time, the clinical significance of this alteration remains unclear.

Literature cited by the submitters: PubMed 25945795 (cited by Labcorp Genetics (formerly Invitae), Labcorp); PubMed 28724667 (cited by Labcorp Genetics (formerly Invitae), Labcorp); PubMed 31444271 (cited by Ambry Genetics).

NM_002907.4(RECQL):c.1363C>T (p.Arg455Cys)

Gene: RECQL (RecQ like helicase; minus strand). Cytogenetic location: 12p12.1.
Variant type: single nucleotide variant.
Coding change: c.1363C>T on transcript NM_002907.4 (MANE Select); coding-DNA position 1363, C replaced by T.
Protein change: p.Arg455Cys; replaces arginine 455 with cysteine.
Molecular consequence: missense variant.
Genome position (GRCh38, 1-based): chr12:21,473,635, G>A on the plus strand (C>T on the coding strand, the complement: RECQL is on the minus strand). VCF-style: chr12-21473635-G-A. GRCh37 (hg19) VCF-style: chr12-21626569-G-A.
Other names: c.1363C>T, p.Arg455Cys (NM_032941.3); short protein forms R455C.
Identifiers: ClinVar variation 1439828 (VCV001439828.11), dbSNP rs199740132, ClinGen allele CA6478765.